The following is an entry in ClinVar:

NM_013437.5(LRP12):c.2167C>T (p.Arg723Cys)

Gene: LRP12 (LDL receptor related protein 12; minus strand). Cytogenetic location: 8q22.3.
Variant type: single nucleotide variant.
Coding change: c.2167C>T on transcript NM_013437.5 (MANE Select); coding-DNA position 2167, C replaced by T.
Protein change: p.Arg723Cys; replaces arginine 723 with cysteine.
Molecular consequence: missense variant.
Genome position (GRCh38, 1-based): chr8:104,491,086, G>A on the plus strand (C>T on the coding strand, the complement: LRP12 is on the minus strand). VCF-style: chr8-104491086-G-A. GRCh37 (hg19) VCF-style: chr8-105503314-G-A.
Other names: c.2110C>T, p.Arg704Cys (NM_001135703.3); short protein forms R704C, R723C.
Identifiers: ClinVar variation 3355861 (VCV003355861.1).
Genomic context (GRCh38, chr8:104,491,086, plus strand): 5'-TAAAACGTACCCAGCGTAGCCCCTGAGTCATACGACTGAGTGCACTTGTAAGCTGGTGAC[G>A]TGCTGGACTCACACTTGGGGGTTCCACACTTGTCACATCCCTTCCATTATCTGCATGACC-3'
Protein context (NP_038465.1, residues 713-733): SVEPPSVSPA[Arg723Cys]HQLTSALSRM

ClinVar aggregate classification (germline): Uncertain significance (0 of 4 stars; one submission).

Conditions:
LRP12-related disorder. Also called: LRP12-related condition.

gnomAD v4.1: 3 of 1,614,088 alleles (0.00019%); highest among the groups gnomAD compares: Admixed American, 0.0033%; no homozygotes.

Submission:

PreventionGenetics, part of Exact Sciences
Classification: Uncertain significance for LRP12-related condition. Last evaluated: 2024-06-27. Review status: no assertion criteria provided. Collection method: clinical testing. Allele origin: germline.
Comment: The LRP12 c.2167C>T variant is predicted to result in the amino acid substitution p.Arg723Cys. To our knowledge, this variant has not been reported in the literature. This variant is reported in 0.0029% of alleles in individuals of Latino descent in gnomAD. To date, most pathogenic variants in LRP12 are repeat expansions in the 5' UTR. At this time, the clinical significance of this variant is uncertain due to the absence of conclusive functional and genetic evidence.